The following is an entry in ClinVar:

NM_144599.5(NIPA1):c.856G>A (p.Val286Met)

Gene: NIPA1 (NIPA magnesium transporter 1; plus strand). Cytogenetic location: 15q11.2.
Variant type: single nucleotide variant.
Coding change: c.856G>A on transcript NM_144599.5 (MANE Select); coding-DNA position 856, G replaced by A.
Protein change: p.Val286Met; replaces valine 286 with methionine.
Molecular consequence: missense variant.
Genome position (GRCh38, 1-based): chr15:22,824,105, G>A. VCF-style: chr15-22824105-G-A. GRCh37 (hg19) VCF-style: chr15-23048963-C-T.
Other names: p.Val286Met; c.856G>A (NM_144599.4); c.631G>A, p.Val211Met (NM_001142275.1); short protein forms V286M, V211M.
Identifiers: ClinVar variation 1352141 (VCV001352141.9), dbSNP rs531256830, ClinGen allele CA7425984.
Genomic context (GRCh38, chr15:22,824,105, plus strand): 5'-GTCGTGTTTACCACGCTGGTCCTGCTGGCCTCAGCCATCCTCTTCCGGGAGTGGAGCAAC[G>A]TGGGCCTGGTGGACTTCTTGGGGATGGCCTGTGGATTCACGACCGTCTCCGTGGGGATTG-3'
Protein context (NP_653200.2, residues 276-296): SAILFREWSN[Val286Met]GLVDFLGMAC

ClinVar aggregate classification (germline): Uncertain significance. Review status: criteria provided, multiple submitters, no conflicts (2 of 4 stars). 3 submissions from 3 submitters: Uncertain significance (3). Last evaluated 2024-11-19.

Conditions:
Hereditary spastic paraplegia 6 (SPG6). Also called: SPASTIC PARAPLEGIA 6, AUTOSOMAL DOMINANT. Identifiers: Orphanet 100988, MedGen C1838192, MONDO:0010878, OMIM 600363.

Allele frequency attached by ClinVar (database versions not stated): gnomAD 0.00001; gnomAD exomes 0.00001 and 0.00002; ExAC 0.00002; 1000 Genomes Project 30x 0.00016; 1000 Genomes Project 0.00020.
gnomAD v4.1: 11 of 1,614,120 alleles (0.00068%); highest among the groups gnomAD compares: Admixed American, 0.0033%; no homozygotes.

Submissions (3):

Mayo Clinic Laboratories, Mayo Clinic
Classification: Uncertain significance. Last evaluated: 2024-11-19. Review status: criteria provided, single submitter. Criteria: ACMG Guidelines, 2015. Collection method: clinical testing. Allele origin: germline. Observed: 1 variant allele.

Labcorp Genetics (formerly Invitae), Labcorp
Classification: Uncertain significance for Hereditary spastic paraplegia 6. Last evaluated: 2021-09-04. Review status: criteria provided, single submitter. Criteria: Invitae Variant Classification Sherloc (09022015). Collection method: clinical testing. Allele origin: germline.
Comment: This sequence change replaces valine with methionine at codon 286 of the NIPA1 protein (p.Val286Met). The valine residue is moderately conserved and there is a small physicochemical difference between valine and methionine. This variant is present in population databases (rs531256830, ExAC 0.01%). This variant has not been reported in the literature in individuals affected with NIPA1-related conditions. Algorithms developed to predict the effect of missense changes on protein structure and function are either unavailable or do not agree on the potential impact of this missense change (SIFT: "Tolerated"; PolyPhen-2: "Possibly Damaging"; Align-GVGD: "Class C0"). In summary, the available evidence is currently insufficient to determine the role of this variant in disease. Therefore, it has been classified as a Variant of Uncertain Significance.

Revvity Omics, Revvity
Classification: Uncertain significance for Hereditary spastic paraplegia 6. Last evaluated: 2020-01-03. Review status: criteria provided, single submitter. Criteria: ACMG Guidelines, 2015. Collection method: clinical testing. Allele origin: germline.